The following is an entry in ClinVar:

ClinVar aggregate classification (germline): Benign (1 of 4 stars; one submission).

Conditions:
Lynch syndrome 4 (LYNCH4). Also called: Colorectal cancer, hereditary nonpolyposis, type 4; Hereditary non-polyposis colorectal cancer, type 4. Identifiers: Orphanet 144, MedGen C1838333, MONDO:0013699, OMIM 614337. Disease mechanism: loss of function.

Submission:

Myriad Genetics, Inc.
Classification: Benign for Lynch syndrome 4. Last evaluated: 2025-02-04. Review status: criteria provided, single submitter. Criteria: Myriad Autosomal Dominant, Autosomal Recessive and X-Linked Classification Criteria (2023). Collection method: clinical testing. Allele origin: unknown.
Comment: This variant is considered benign. This variant occurs in the non-coding 3' untranslated region of the gene, and is not expected to impact protein function.

NM_000535.7(PMS2):c.*1C>T

Gene: PMS2 (PMS1 homolog 2, mismatch repair system component; minus strand). Cytogenetic location: 7p22.1.
Variant type: single nucleotide variant.
Coding change: c.*1C>T on transcript NM_000535.7 (MANE Select); 1 bases downstream of the stop codon, C replaced by T.
Molecular consequence: 3 prime UTR variant. On other transcripts: non-coding transcript variant (1).
Genome position (GRCh38, 1-based): chr7:5,973,398, G>A on the plus strand (C>T on the coding strand, the complement: PMS2 is on the minus strand). VCF-style: chr7-5973398-G-A. GRCh37 (hg19) VCF-style: chr7-6013029-G-A.
Other names: c.*1C>T (NM_001406871.1, NM_001406872.1, NM_001406873.1 and 56 more transcripts).
Identifiers: ClinVar variation 3904762 (VCV003904762.1).